The following is an entry in ClinVar:

NM_000017.4(ACADS):c.529T>C (p.Trp177Arg)

Gene: ACADS (acyl-CoA dehydrogenase short chain; plus strand). Cytogenetic location: 12q24.31.
Variant type: single nucleotide variant.
Coding change: c.529T>C on transcript NM_000017.4 (MANE Select); coding-DNA position 529, T replaced by C.
Protein change: p.Trp177Arg; replaces tryptophan 177 with arginine.
Molecular consequence: missense variant. On other transcripts: intron variant (1).
Genome position (GRCh38, 1-based): chr12:120,737,893, T>C. VCF-style: chr12-120737893-T-C. GRCh37 (hg19) VCF-style: chr12-121175696-T-C.
Other names: W153R; p.W177R:TGG>CGG; c.473-156T>C (NM_001302554.2); short protein forms W177R.
Identifiers: ClinVar variation 3828 (VCV000003828.78), dbSNP rs57443665, ClinGen allele CA252881.
Genomic context (GRCh38, chr12:120,737,893, plus strand): 5'-GCAGGGAACGGCAGTGATGCAGGAGCTGCGTCCACCACCGCCCGGGCCGAGGGCGACTCA[T>C]GGGTTCTGAATGGAACCAAAGCCTGGATCACCAATGCCTGGGAGGCTTCGGCTGCCGTGG-3'
Protein context (NP_000008.1, residues 167-187): STTARAEGDS[Trp177Arg]VLNGTKAWIT

ClinVar aggregate classification (germline): Pathogenic/Likely pathogenic. Review status: criteria provided, multiple submitters, no conflicts (2 of 4 stars). 23 submissions from 23 submitters: Pathogenic (16); Likely pathogenic (3). 4 of the submissions do not count toward it. Last evaluated 2026-06-17.

Conditions:
ACADS-related disorder. Also called: ACADS-related condition.
Inborn genetic diseases. Identifiers: MedGen C0950123, MeSH D030342.
Deficiency of butyryl-CoA dehydrogenase (ACADSD). Also called: SCAD Deficiency; SCADH DEFICIENCY; ACYL-CoA DEHYDROGENASE, SHORT-CHAIN, DEFICIENCY OF; Short-Chain Acyl-CoA Dehydrogenase Deficiency; ACADS DEFICIENCY; SCAD DEFICIENCY, MILD. Identifiers: Orphanet 26792, MedGen C0342783, MONDO:0008722, OMIM 201470. Disease mechanism: May be benign.

Allele frequency attached by ClinVar (database versions not stated): gnomAD exomes 0.00045 and 0.00018; 1000 Genomes Project 30x 0.00265; gnomAD 0.00186 and 0.00202; 1000 Genomes Project 0.00200; ExAC 0.00055; TOPMed 0.00206.
gnomAD v4.1: 555 of 1,614,116 alleles (0.034%); highest among the groups gnomAD compares: African/African-American, 0.67%; 6 homozygotes.

Submissions 1 to 10 of 23:

Ambry Genetics
Classification: Pathogenic for Inborn genetic diseases. Last evaluated: 2026-06-17. Review status: criteria provided, single submitter. Criteria: Ambry Variant Classification Scheme 2023. Collection method: clinical testing. Allele origin: germline.
Comment: The c.529T>C (p.W177R) alteration is located in exon 5 (coding exon 5) of the ACADS gene. This alteration results from a T to C substitution at nucleotide position 529, causing the tryptophan (W) at amino acid position 177 to be replaced by an arginine (R). Based on data from gnomAD, the C allele has an overall frequency of 0.062% (174/282582) total alleles studied. The highest observed frequency was 0.674% (168/24930) of African alleles. This alteration has been reported as homozygous and compound heterozygous in multiple individuals with biochemical diagnoses of short-chain acyl-CoA dehydrogenase deficiency (Waisbren, 2008; Pedersen, 2008; Gregersen, 1998; Koeberl, 2003; Pena, 2012; Maguolo, 2020; Ambry internal data). This amino acid position is highly conserved in available vertebrate species. In a ferricenium ion-based enzyme activity assay, this alteration had no detectable activity above background (Gregersen, 1998). This alteration is predicted to be deleterious by in silico analysis. Based on the available evidence, this alteration is classified as pathogenic.

Dasa
Classification: Pathogenic. Last evaluated: 2026-03-05. Review status: criteria provided, single submitter. Criteria: DASA Assertion Criteria. Collection method: clinical testing. Allele origin: germline.
Comment: NM_000017.4(ACADS):c.529T>C (p.Trp177Arg) is a missense variant that results in the substitution of tryptophan with arginine. This variant has been observed in affected individuals with related phenotype in a genotype context consistent with recessive disease (PMID: 9499414; PMID: 12736383; PMID: 18523805; PMID: 18676165; PMID: 22241096). Functional evidence supports a deleterious effect on the gene or gene product (PMID: 9499414; PMID: 12736383; PMID: 18523805; PMID: 18676165; PMID: 22241096). This variant has been recurrently observed in individuals with related phenotype (PMID: 9499414; PMID: 12736383; PMID: 18523805; PMID: 18676165; PMID: 22241096). Multiple computational predictions support a deleterious effect on the gene or gene product. The variant is present at low frequency in population datasets. Based on the available data, this variant is classified as pathogenic.

Labcorp Genetics (formerly Invitae), Labcorp
Classification: Pathogenic for Deficiency of butyryl-CoA dehydrogenase. Last evaluated: 2026-01-26. Review status: criteria provided, single submitter. Criteria: Invitae Variant Classification Sherloc (09022015). Collection method: clinical testing. Allele origin: germline.
Comment: This sequence change replaces tryptophan, which is neutral and slightly polar, with arginine, which is basic and polar, at codon 177 of the ACADS protein (p.Trp177Arg). This variant is present in population databases (rs57443665, gnomAD 0.7%), and has an allele count higher than expected for a pathogenic variant. This missense change has been observed in individuals with SCAD deficiency (PMID: 9499414, 12736383, 18676165, 22241096). ClinVar contains an entry for this variant (Variation ID: 3828). Invitae Evidence Modeling of protein sequence and biophysical properties (such as structural, functional, and spatial information, amino acid conservation, physicochemical variation, residue mobility, and thermodynamic stability) indicates that this missense variant is expected to disrupt ACADS protein function with a positive predictive value of 95%. Experimental studies have shown that this missense change affects ACADS function (PMID: 9499414, 18523805). For these reasons, this variant has been classified as Pathogenic.

Variantyx, Inc.
Classification: Pathogenic for Deficiency of butyryl-CoA dehydrogenase. Last evaluated: 2025-10-26. Review status: criteria provided, single submitter. Criteria: Variantyx Assertion Criteria 2022. Collection method: clinical testing. Allele origin: germline. Inheritance: Autosomal recessive inheritance. Affected: no.
Comment: This is a nonsynonymous variant in the ACADS gene (OMIM: 606885). Pathogenic variants in this gene have been associated with autosomal recessive short-chain acyl-CoA dehydrogenase deficiency. This variant has been reported in the homozygous or compound heterozygous state in several unrelated affected individuals (PMID: 18676165, 23798014, 12736383) (PM3_Strong). Functional studies have shown that this variant alters ACADS protein function (PMID: 9499414) (PS3) and multiple computational algorithms predict a deleterious effect for this variant (REVEL score: 0.957) (PP3). This variant has a 0.6663% maximum allele frequency in non-founder control populations. Inter- and intrafamilial clinical variability has been described (PMID: 18054510, 18523805). Based on the current evidence, this variant is classified as pathogenic for autosomal recessive short-chain acyl-CoA dehydrogenase deficiency.

Mayo Clinic Laboratories, Mayo Clinic
Classification: Pathogenic. Last evaluated: 2025-09-26. Review status: criteria provided, single submitter. Criteria: ACMG Guidelines, 2015. Collection method: clinical testing. Allele origin: germline. Observed: 4 variant alleles.
Comment: PP3

Blueprint Genetics
Classification: Pathogenic for ACADS-related disorders. Last evaluated: 2024-10-16. Review status: criteria provided, single submitter. Criteria: ACMG Guidelines, 2015. Collection method: clinical testing. Allele origin: germline. Affected: yes. Observed: 5 variant alleles.

Women's Health and Genetics/Laboratory Corporation of America, LabCorp
Classification: Pathogenic for Deficiency of butyryl-CoA dehydrogenase. Last evaluated: 2024-06-11. Review status: criteria provided, single submitter. Criteria: LabCorp Variant Classification Summary - May 2015. Collection method: clinical testing. Allele origin: germline.
Comment: Variant summary: ACADS c.529T>C (p.Trp177Arg) results in a non-conservative amino acid change located in the Acyl-CoA oxidase/dehydrogenase, middle domain (IPR006091) of the encoded protein sequence. Five of five in-silico tools predict a damaging effect of the variant on protein function. The variant allele was found at a frequency of 0.00045 in 251254 control chromosomes. This frequency is not significantly higher than estimated for a pathogenic variant in ACADS causing Deficiency Of Butyryl-CoA Dehydrogenase, allowing no conclusion about variant significance. c.529T>C has been reported in the literature in multiple individuals affected with Deficiency Of Butyryl-CoA Dehydrogenase (example: Gregerson_1998, Koeberl_2003, Waisbren_2008). These data indicate that the variant is very likely to be associated with disease. At least one publication reports experimental evidence evaluating an impact on protein function. The most pronounced variant effect results in <10% of normal activity (Gregerson_1998). The following publications have been ascertained in the context of this evaluation (PMID: 12736383, 18676165, 9499414). ClinVar contains an entry for this variant (Variation ID: 3828). Based on the evidence outlined above, the variant was classified as pathogenic.

Greenwood Genetic Center Diagnostic Laboratories, Greenwood Genetic Center
Classification: Pathogenic for Deficiency of butyryl-CoA dehydrogenase. Last evaluated: 2024-05-22. Review status: criteria provided, single submitter. Criteria: ACMG Guidelines, 2015. Collection method: clinical testing. Allele origin: germline. Affected: yes.
Comment: PS3, PM3_Very Strong

Fulgent Genetics
Classification: Pathogenic for Deficiency of butyryl-CoA dehydrogenase. Last evaluated: 2024-02-04. Review status: criteria provided, single submitter. Criteria: ACMG Guidelines, 2015. Collection method: clinical testing. Allele origin: germline.

Pittsburgh Clinical Genomics Laboratory, University of Pittsburgh Medical Center
Classification: Pathogenic for Deficiency of butyryl-CoA dehydrogenase. Last evaluated: 2024-01-24. Review status: criteria provided, single submitter. Criteria: ACMG Guidelines, 2015. Collection method: clinical testing. Allele origin: germline. Inheritance: Autosomal recessive inheritance. Affected: yes.
Comment: This sequence variant is a single nucleotide substitution (T>C) at position 529 of the coding sequence of the ACADS gene that results in a tryptophan to arginine amino acid change at residue 177 of the acyl-CoA dehydrogenase short chain protein. This is a previously reported variant (ClinVar 3828) that has been observed in multiple individuals affected by short-chain acyl-CoA dehydrogenase deficiency when in the homozygous or compound heterozygous state (PMID: 18523805, 18676165, 22241096, 23798014, 32793418, 9499414). This variant is present in 393 of 403412 alleles (0.0974%) in the gnomAD population dataset. Multiple bioinformatic tools predict that this tryptophan to arginine amino acid change would be damaging, and the Trp177 residue at this position is highly conserved across the vertebrate species examined. The protein generated from this variant exhibits nearly no short-chain specific acyl-CoA dehydrogenase activity in a ferricenium ion-based assay (PMID: 9499414) and exhibits evidence of misfolding within a mouse mitochondrial system (PMID: 18523805). Based upon the evidence, we consider this variant to be pathogenic. ACMG Criteria: BS1, PM3, PP2, PP3, PP5, PS3